The following is an entry in ClinVar:

ClinVar aggregate classification (germline): Pathogenic (1 of 4 stars; one submission).

Conditions:
Neurometabolic disorder due to serine deficiency. Identifiers: Orphanet 35705, MedGen C5680148, MONDO:0018162.

Submission:

Myriad Genetics, Inc.
Classification: Pathogenic for Neurometabolic disorder due to serine deficiency. Last evaluated: 2024-05-14. Review status: criteria provided, single submitter. Criteria: Myriad Autosomal Dominant, Autosomal Recessive and X-Linked Classification Criteria (2023). Collection method: clinical testing. Allele origin: unknown.
Comment: NM_006623.3(PHGDH):c.1170_1171ins10(V391Ffs*7) is expected to be pathogenic in the context of serine deficiency disorder, PHGDH-related. This variant is predicted to lead to an abnormal or absent protein product due to the creation of a premature termination codon in PHGDH, a gene where loss-of-function variants are known to be pathogenic. Please note: this variant was assessed in the context of healthy population screening.

NM_006623.4(PHGDH):c.1170_1171insTTTGTGATGT (p.Val391fs)

Gene: PHGDH (phosphoglycerate dehydrogenase; plus strand). Cytogenetic location: 1p12.
Variant type: Insertion.
Coding change: c.1170_1171insTTTGTGATGT on transcript NM_006623.4 (MANE Select); coding-DNA positions 1170 to 1171, TTTGTGATGT inserted.
Protein change: p.Val391fs; shifts the reading frame from valine 391.
Molecular consequence: frameshift variant.
Genome position: GRCh38 VCF-style: chr1-119741858-G-GTTTGTGATGT. GRCh37 (hg19) VCF-style: chr1-120284481-G-GTTTGTGATGT.
Other names: short protein forms V391fs.
Identifiers: ClinVar variation 5011016 (VCV005011016.1).